The following is an entry in ClinVar:

ClinVar aggregate classification (germline): Uncertain significance (1 of 4 stars; one submission).

Conditions:
Early-infantile DEE. Also called: Early infantile epileptic encephalopathy; Ohtahara syndrome; Early infantile epileptic encephalopathy with suppression bursts. Identifiers: Orphanet 1934, MedGen C0393706, MONDO:0800491.

Submission:

Labcorp Genetics (formerly Invitae), Labcorp
Classification: Uncertain significance for Early-infantile DEE. Last evaluated: 2020-04-27. Review status: criteria provided, single submitter. Criteria: Invitae Variant Classification Sherloc (09022015). Collection method: clinical testing. Allele origin: germline.
Comment: In summary, the available evidence is currently insufficient to determine the role of this variant in disease. Therefore, it has been classified as a Variant of Uncertain Significance. Algorithms developed to predict the effect of missense changes on protein structure and function are either unavailable or do not agree on the potential impact of this missense change (SIFT: "Deleterious"; PolyPhen-2: "Benign"; Align-GVGD: "Class C65"). This variant has not been reported in the literature in individuals with SCN1A-related conditions. This variant is not present in population databases (ExAC no frequency). This sequence change replaces arginine with proline at codon 1525 of the SCN1A protein (p.Arg1525Pro). The arginine residue is highly conserved and there is a moderate physicochemical difference between arginine and proline.

NM_001165963.4(SCN1A):c.4574G>C (p.Arg1525Pro)

Genes: SCN1A (sodium voltage-gated channel alpha subunit 1; minus strand), LOC102724058 (uncharacterized LOC102724058; plus strand). Cytogenetic location: 2q24.3.
Variant type: single nucleotide variant.
Coding change: c.4574G>C on transcript NM_001165963.4 (MANE Select); coding-DNA position 4574, G replaced by C.
Protein change: p.Arg1525Pro; replaces arginine 1525 with proline.
Molecular consequence: missense variant. On other transcripts: non-coding transcript variant (1).
Genome position (GRCh38, 1-based): chr2:165,996,020, C>G on the plus strand (G>C on the coding strand, the complement: SCN1A is on the minus strand). VCF-style: chr2-165996020-C-G. GRCh37 (hg19) VCF-style: chr2-166852530-C-G.
Other names: c.4490G>C, p.Arg1497Pro (NM_001165964.3, NM_001353957.2, NM_001353958.2); c.4574G>C, p.Arg1525Pro (NM_001202435.3, NM_001353948.2); c.4541G>C, p.Arg1514Pro (NM_001353949.2, NM_001353950.2, NM_001353951.2 and 2 more transcripts); c.4538G>C, p.Arg1513Pro (NM_001353954.2, NM_001353955.2); c.4487G>C, p.Arg1496Pro (NM_001353960.2); c.2132G>C, p.Arg711Pro (NM_001353961.2); short protein forms R1496P, R1497P, R1513P, R1514P, R1525P, R711P.
Identifiers: ClinVar variation 949716 (VCV000949716.10), dbSNP rs1559114408, ClinGen allele CA349048548.